The following is an entry in ClinVar:

ClinVar aggregate classification (germline): Pathogenic. Review status: criteria provided, multiple submitters, no conflicts (2 of 4 stars). 4 submissions from 4 submitters: Pathogenic (3). 1 of the submissions does not count toward it. Last evaluated 2025-03-04.

Conditions:
CASR-related disorder. Also called: CASR-related condition.
Familial hypocalciuric hypercalcemia (FHH). Also called: Familial benign hypercalcemia. Identifiers: Orphanet 405, MedGen C1809471, MONDO:0018458.
Autosomal dominant hypocalcemia 1 (HYPOC1). Also called: HYPOCALCEMIA, FAMILIAL. Identifiers: MedGen C3715128, MONDO:0011013, OMIM 601198.

Submissions (4):

Center for Genomic Medicine, Rigshospitalet, Copenhagen University Hospital
Classification: Pathogenic. Last evaluated: 2025-03-04. Review status: criteria provided, single submitter. Criteria: ACMG Guidelines, 2015. Collection method: clinical testing. Allele origin: germline.

Labcorp Genetics (formerly Invitae), Labcorp
Classification: Pathogenic for Familial hypocalciuric hypercalcemia; Autosomal dominant hypocalcemia 1. Last evaluated: 2024-09-09. Review status: criteria provided, single submitter. Criteria: Invitae Variant Classification Sherloc (09022015). Collection method: clinical testing. Allele origin: germline.
Comment: This sequence change creates a premature translational stop signal (p.Trp352*) in the CASR gene. It is expected to result in an absent or disrupted protein product. Loss-of-function variants in CASR are known to be pathogenic (PMID: 11807402, 14985373, 22422767). This variant is not present in population databases (gnomAD no frequency). This premature translational stop signal has been observed in individual(s) with familial hypocalciuric hypercalcemia (PMID: 17698911). ClinVar contains an entry for this variant (Variation ID: 1071747). For these reasons, this variant has been classified as Pathogenic.

GeneDx
Classification: Pathogenic. Last evaluated: 2020-01-31. Review status: criteria provided, single submitter. Criteria: GeneDx Variant Classification Process June 2021. Collection method: clinical testing. Allele origin: germline. Affected: yes.
Comment: Nonsense variant predicted to result in protein truncation or nonsense mediated decay in a gene for which loss-of-function is a known mechanism of disease; Not observed in large population cohorts (Lek et al., 2016); This variant is associated with the following publications: (PMID: 17698911, 27746744, 25525159)

PreventionGenetics, part of Exact Sciences
Classification: Pathogenic for CASR-related condition. Last evaluated: 2024-02-17. Review status: no assertion criteria provided. Collection method: clinical testing. Allele origin: germline. Not counted in ClinVar's aggregate classification.
Comment: The CASR c.1056G>A variant is predicted to result in premature protein termination (p.Trp352*). This variant was reported in three individuals from two families, in a study of patients with a clinical suspicion of familial hypocalciuric hypercalcaemia (FHH) (Nissen et al 2007. PubMed ID: 17698911). This variant has not been reported in a large population database, indicating it is rare. Other loss-of-function variants both up- and downstream of this location have been reported in individuals with FHH (see Human Gene Mutation Database). Taken together, this variant is interpreted as pathogenic.

Literature cited by the submitters: PubMed 17698911 (cited by Center for Genomic Medicine, Rigshospitalet, Copenhagen University Hospital and Labcorp Genetics (formerly Invitae), Labcorp); PubMed 11807402 (cited by Labcorp Genetics (formerly Invitae), Labcorp); PubMed 14985373 (cited by Labcorp Genetics (formerly Invitae), Labcorp); PubMed 22422767 (cited by Labcorp Genetics (formerly Invitae), Labcorp).

NM_000388.4(CASR):c.1056G>A (p.Trp352Ter)

Gene: CASR (calcium sensing receptor; plus strand). Cytogenetic location: 3q21.1.
Variant type: single nucleotide variant.
Coding change: c.1056G>A on transcript NM_000388.4 (MANE Select); coding-DNA position 1056, G replaced by A.
Protein change: p.Trp352Ter; replaces tryptophan 352 with a stop codon.
Molecular consequence: nonsense.
Genome position (GRCh38, 1-based): chr3:122,262,091, G>A. VCF-style: chr3-122262091-G-A. GRCh37 (hg19) VCF-style: chr3-121980938-G-A.
Other names: c.1056G>A, p.Trp352Ter (NM_001178065.2); c.1056G>A (NM_001178065.1); short protein forms W352*.
Identifiers: ClinVar variation 1071747 (VCV001071747.19), dbSNP rs2107632822, ClinGen allele CA354152428.
Genomic context (GRCh38, chr3:122,262,091, plus strand): 5'-ATTCCTGAAGAAGGTCCATCCCAGGAAGTCTGTCCACAATGGTTTTGCCAAGGAGTTTTG[G>A]GAAGAAACATTTAACTGCCACCTCCAAGAAGGTGCAAAAGGACCTTTACCTGTGGACACC-3'